The following is an entry in ClinVar:

NM_002292.4(LAMB2):c.4229G>A (p.Cys1410Tyr)

Gene: LAMB2 (laminin subunit beta 2; minus strand). Cytogenetic location: 3p21.31.
Variant type: single nucleotide variant.
Coding change: c.4229G>A on transcript NM_002292.4 (MANE Select); coding-DNA position 4229, G replaced by A.
Protein change: p.Cys1410Tyr; replaces cysteine 1410 with tyrosine.
Molecular consequence: missense variant.
Genome position (GRCh38, 1-based): chr3:49,123,048, C>T on the plus strand (G>A on the coding strand, the complement: LAMB2 is on the minus strand). VCF-style: chr3-49123048-C-T. GRCh37 (hg19) VCF-style: chr3-49160481-C-T.
Other names: short protein forms C1410Y.
Identifiers: ClinVar variation 3761421 (VCV003761421.2).

ClinVar aggregate classification (germline): Uncertain significance (1 of 4 stars; one submission).

Conditions:
Pierson syndrome. Also called: MICROCORIA-CONGENITAL NEPHROTIC SYNDROME. Identifiers: Orphanet 2670, MedGen C1836876, MONDO:0012184, OMIM 609049.
LAMB2-related infantile-onset nephrotic syndrome. Also called: Nephrotic Syndrome, type 5; NEPHROTIC SYNDROME, TYPE 5, WITHOUT OCULAR ABNORMALITIES; NEPHROTIC SYNDROME, TYPE 5, WITH OCULAR ABNORMALITIES. Identifiers: Orphanet 306507, MedGen C3280113, MONDO:0013621, OMIM 614199.

gnomAD v4.1: 3 of 1,607,038 alleles (0.00019%); highest among the groups gnomAD compares: Non-Finnish European, 0.00025%; no homozygotes.

Submission:

Labcorp Genetics (formerly Invitae), Labcorp
Classification: Uncertain significance for LAMB2-related infantile-onset nephrotic syndrome; Pierson syndrome. Last evaluated: 2024-08-21. Review status: criteria provided, single submitter. Criteria: Invitae Variant Classification Sherloc (09022015). Collection method: clinical testing. Allele origin: germline.
Comment: This sequence change replaces cysteine, which is neutral and slightly polar, with tyrosine, which is neutral and polar, at codon 1410 of the LAMB2 protein (p.Cys1410Tyr). The frequency data for this variant in the population databases is considered unreliable, as metrics indicate poor data quality at this position in the gnomAD database. This variant has not been reported in the literature in individuals affected with LAMB2-related conditions. An algorithm developed to predict the effect of missense changes on protein structure and function (PolyPhen-2) suggests that this variant is likely to be disruptive. In summary, the available evidence is currently insufficient to determine the role of this variant in disease. Therefore, it has been classified as a Variant of Uncertain Significance.